The following is an entry in ClinVar:

ClinVar aggregate classification (germline): Uncertain significance (1 of 4 stars; one submission).

Allele frequency attached by ClinVar (database versions not stated): gnomAD exomes below 0.00001.
gnomAD v4.1: 7 of 1,614,096 alleles (0.00043%); highest among the groups gnomAD compares: South Asian, 0.0077%; no homozygotes.

Submission:

Ambry Genetics
Classification: Uncertain significance. Last evaluated: 2022-05-03. Review status: criteria provided, single submitter. Criteria: Ambry Variant Classification Scheme 2023. Collection method: clinical testing. Allele origin: germline.
Comment: The p.F86L variant (also known as c.258C>G), located in coding exon 2 of the IDH1 gene, results from a C to G substitution at nucleotide position 258. The phenylalanine at codon 86 is replaced by leucine, an amino acid with highly similar properties. This amino acid position is conserved. In addition, the in silico prediction for this alteration is inconclusive. Since supporting evidence is limited at this time, the clinical significance of this alteration remains unclear.

NM_005896.4(IDH1):c.258C>G (p.Phe86Leu)

Gene: IDH1 (isocitrate dehydrogenase (NADP(+)) 1; minus strand). Cytogenetic location: 2q34.
Variant type: single nucleotide variant.
Coding change: c.258C>G on transcript NM_005896.4 (MANE Select); coding-DNA position 258, C replaced by G.
Protein change: p.Phe86Leu; replaces phenylalanine 86 with leucine.
Molecular consequence: missense variant.
Genome position (GRCh38, 1-based): chr2:208,248,525, G>C on the plus strand (C>G on the coding strand, the complement: IDH1 is on the minus strand). VCF-style: chr2-208248525-G-C. GRCh37 (hg19) VCF-style: chr2-209113249-G-C.
Other names: c.258C>G, p.Phe86Leu (NM_001282386.1, NM_001282387.1); short protein forms F86L.
Identifiers: ClinVar variation 1793485 (VCV001793485.2), dbSNP rs1403237068, ClinGen allele CA350101915.